The following is an entry in ClinVar:

ClinVar aggregate classification (germline): Conflicting classifications of pathogenicity. Review status: criteria provided, conflicting classifications (1 of 4 stars). 3 submissions from 3 submitters: Uncertain significance (1); Benign (1). 1 of the submissions does not count toward it. Last evaluated 2025-04-02.

Conditions:
DNAH11-related disorder. Also called: DNAH11-related condition.
Primary ciliary dyskinesia. Also called: Ciliary dyskinesia. Identifiers: Orphanet 244, MedGen C0008780, MONDO:0016575, HP:0012265.

Allele frequency attached by ClinVar (database versions not stated): gnomAD exomes 0.00001; TOPMed 0.00001; ExAC 0.00002; gnomAD 0.00002.
gnomAD v4.1: 21 of 1,613,906 alleles (0.0013%); highest among the groups gnomAD compares: Middle Eastern, 0.016%; 1 homozygote.

Submissions (3):

Labcorp Genetics (formerly Invitae), Labcorp
Classification: Benign for Primary ciliary dyskinesia. Last evaluated: 2025-04-02. Review status: criteria provided, single submitter. Criteria: Invitae Variant Classification Sherloc (09022015). Collection method: clinical testing. Allele origin: germline.

Ambry Genetics
Classification: Uncertain significance for Primary ciliary dyskinesia. Last evaluated: 2024-03-08. Review status: criteria provided, single submitter. Criteria: Ambry Variant Classification Scheme 2023. Collection method: clinical testing. Allele origin: germline.
Comment: The p.Q831E variant (also known as c.2491C>G), located in coding exon 14 of the DNAH11 gene, results from a C to G substitution at nucleotide position 2491. The glutamine at codon 831 is replaced by glutamic acid, an amino acid with highly similar properties. This amino acid position is conserved. In addition, this alteration is predicted to be tolerated by in silico analysis. Based on the available evidence, the clinical significance of this alteration remains unclear.

PreventionGenetics, part of Exact Sciences
Classification: Uncertain significance for DNAH11-related condition. Last evaluated: 2024-03-27. Review status: no assertion criteria provided. Collection method: clinical testing. Allele origin: germline. Not counted in ClinVar's aggregate classification.
Comment: The DNAH11 c.2491C>G variant is predicted to result in the amino acid substitution p.Gln831Glu. To our knowledge, this variant has not been reported in the literature. This variant is reported in 0.0098% of alleles in individuals of South Asian descent in gnomAD. At this time, the clinical significance of this variant is uncertain due to the absence of conclusive functional and genetic evidence.

NM_001277115.2(DNAH11):c.2491C>G (p.Gln831Glu)

Gene: DNAH11 (dynein axonemal heavy chain 11; plus strand). Cytogenetic location: 7p15.3.
Variant type: single nucleotide variant.
Coding change: c.2491C>G on transcript NM_001277115.2 (MANE Select); coding-DNA position 2491, C replaced by G.
Protein change: p.Gln831Glu; replaces glutamine 831 with glutamic acid.
Molecular consequence: missense variant.
Genome position (GRCh38, 1-based): chr7:21,591,401, C>G. VCF-style: chr7-21591401-C-G. GRCh37 (hg19) VCF-style: chr7-21631019-C-G.
Other names: c.2491C>G, p.Gln831Glu (NM_003777.3); c.2491C>G (NM_001277115.1); short protein forms Q831E.
Identifiers: ClinVar variation 2909025 (VCV002909025.5), dbSNP rs753129819, ClinGen allele CA4179353.